The following is an entry in ClinVar:

NM_001283009.2(RTEL1):c.1343A>G (p.Lys448Arg)

Genes: RTEL1 (regulator of telomere elongation helicase 1; plus strand), RTEL1-TNFRSF6B (RTEL1-TNFRSF6B readthrough (NMD candidate); plus strand). Cytogenetic location: 20q13.33.
Variant type: single nucleotide variant.
Coding change: c.1343A>G on transcript NM_001283009.2 (MANE Select); coding-DNA position 1343, A replaced by G.
Protein change: p.Lys448Arg; replaces lysine 448 with arginine.
Molecular consequence: missense variant. On other transcripts: non-coding transcript variant (1).
Genome position (GRCh38, 1-based): chr20:63,685,867, A>G. VCF-style: chr20-63685867-A-G. GRCh37 (hg19) VCF-style: chr20-62317220-A-G.
Other names: c.674A>G, p.Lys225Arg (NM_001283010.1); c.1343A>G, p.Lys448Arg (NM_016434.4); c.1415A>G, p.Lys472Arg (NM_032957.5); short protein forms K225R, K472R, K448R.
Identifiers: ClinVar variation 3791147 (VCV003791147.1).

ClinVar aggregate classification (germline): Uncertain significance (1 of 4 stars; one submission).

Conditions:
Inborn genetic diseases. Identifiers: MedGen C0950123, MeSH D030342.

Submission:

Ambry Genetics
Classification: Uncertain significance for Inborn genetic diseases. Last evaluated: 2025-02-13. Review status: criteria provided, single submitter. Criteria: Ambry Variant Classification Scheme 2023. Collection method: clinical testing. Allele origin: germline.
Comment: The p.K448R variant (also known as c.1343A>G), located in coding exon 15 of the RTEL1 gene, results from an A to G substitution at nucleotide position 1343. The lysine at codon 448 is replaced by arginine, an amino acid with highly similar properties. This amino acid position is conserved. In addition, this alteration is predicted to be tolerated by in silico analysis. Based on the available evidence, the clinical significance of this variant remains unclear.